The following is an entry in ClinVar:

ClinVar aggregate classification (germline): Pathogenic (1 of 4 stars; one submission).

Conditions:
Familial adenomatous polyposis 1 (FAP1). Also called: POLYPOSIS, ADENOMATOUS INTESTINAL; FAMILIAL ADENOMATOUS POLYPOSIS 1, ATTENUATED. Identifiers: MedGen C2713442, MONDO:0021056, OMIM 175100. Disease mechanism: loss of function.

Submission:

Myriad Genetics, Inc.
Classification: Pathogenic for Familial adenomatous polyposis 1. Last evaluated: 2023-05-10. Review status: criteria provided, single submitter. Criteria: Myriad Autosomal Dominant, Autosomal Recessive and X-Linked Classification Criteria (2023). Collection method: clinical testing. Allele origin: unknown.
Comment: This variant is considered pathogenic. This variant creates a frameshift predicted to result in premature protein truncation.

NM_000038.6(APC):c.4354del (p.Val1452fs)

Gene: APC (APC regulator of Wnt signaling pathway; plus strand). Cytogenetic location: 5q22.2.
Variant type: Deletion.
Coding change: c.4354del on transcript NM_000038.6 (MANE Select); coding-DNA position 4354, one base deleted (G; older notation c.4354delG).
Protein change: p.Val1452fs; shifts the reading frame from valine 1452.
Molecular consequence: frameshift variant. On other transcripts: non-coding transcript variant (2).
Genome position (GRCh38, 1-based): chr5:112,839,948, G deleted. VCF-style (leftmost placement, unchanged base first): chr5-112839947-AG-A. GRCh37 (hg19) VCF-style: chr5-112175644-AG-A.
Other names: c.4105del, p.Val1369fs (NM_001407456.1, NM_001407457.1, NM_001407454.1 and 1 more transcripts); c.3967del, p.Val1323fs (NM_001407467.1, NM_001407469.1); c.3505del, p.Val1169fs (NM_001407470.1, NM_001354906.2); c.3202del, p.Val1068fs (NM_001407471.1, NM_001407472.1); c.4051del, p.Val1351fs (NM_001407460.1, NM_001407458.1, NM_001407459.1 and 1 more transcripts); c.4354del, p.Val1452fs (NM_001127510.3, NM_001354895.2, NM_001407450.1); c.4300del, p.Val1434fs (NM_001127511.3); c.4408del, p.Val1470fs (NM_001354896.2, NM_001407447.1, NM_001407448.1 and 1 more transcripts); and 11 more; short protein forms V1068fs, V1169fs, V1292fs, V1323fs, V1326fs, V1351fs, V1361fs, V1369fs.
Identifiers: ClinVar variation 2583753 (VCV002583753.2), dbSNP rs2476876691, ClinGen allele CA2582341279.